The following is an entry in ClinVar:

ClinVar aggregate classification (germline): Uncertain significance (1 of 4 stars; one submission).

Conditions:
Zellweger spectrum disorders (ZS). Also called: Zellweger syndrome; Zellweger Spectrum Disorder (ZSD); Zellweger Spectrum Disorder; Zellweger Spectrum. Identifiers: Orphanet 912, MedGen C0043459, MONDO:0019609.

Submission:

Labcorp Genetics (formerly Invitae), Labcorp
Classification: Uncertain significance for Zellweger spectrum disorders. Last evaluated: 2019-10-31. Review status: criteria provided, single submitter. Criteria: Invitae Variant Classification Sherloc (09022015). Collection method: clinical testing. Allele origin: germline.
Comment: This sequence change replaces glutamic acid with aspartic acid at codon 48 of the PEX1 protein (p.Glu48Asp). The glutamic acid residue is moderately conserved and there is a small physicochemical difference between glutamic acid and aspartic acid. This variant is not present in population databases (ExAC no frequency). This variant has not been reported in the literature in individuals with PEX1-related conditions. Algorithms developed to predict the effect of missense changes on protein structure and function are either unavailable or do not agree on the potential impact of this missense change (SIFT: "Tolerated"; PolyPhen-2: "Possibly Damaging"; Align-GVGD: "Class C0"). In summary, the available evidence is currently insufficient to determine the role of this variant in disease. Therefore, it has been classified as a Variant of Uncertain Significance.

NM_000466.3(PEX1):c.144A>C (p.Glu48Asp)

Gene: PEX1 (peroxisomal biogenesis factor 1; minus strand). Cytogenetic location: 7q21.2.
Variant type: single nucleotide variant.
Coding change: c.144A>C on transcript NM_000466.3 (MANE Select); coding-DNA position 144, A replaced by C.
Protein change: p.Glu48Asp; replaces glutamic acid 48 with aspartic acid.
Molecular consequence: missense variant. On other transcripts: 5 prime UTR variant (1).
Genome position (GRCh38, 1-based): chr7:92,522,231, T>G on the plus strand (A>C on the coding strand, the complement: PEX1 is on the minus strand). VCF-style: chr7-92522231-T-G. GRCh37 (hg19) VCF-style: chr7-92151545-T-G.
Other names: c.144A>C, p.Glu48Asp (NM_001282677.2); c.-516A>C (NM_001282678.2); short protein forms E48D.
Identifiers: ClinVar variation 970115 (VCV000970115.9), dbSNP rs1793080526, ClinGen allele CA368205227.